The following is an entry in ClinVar:

NM_001032283.3(TMPO):c.88G>A (p.Gly30Arg)

Genes: TMPO (thymopoietin; plus strand), TMPO-AS1 (TMPO antisense RNA 1; minus strand). Cytogenetic location: 12q23.1.
Variant type: single nucleotide variant.
Coding change: c.88G>A on transcript NM_001032283.3 (MANE Select); coding-DNA position 88, G replaced by A.
Protein change: p.Gly30Arg; replaces glycine 30 with arginine.
Molecular consequence: missense variant.
Genome position (GRCh38, 1-based): chr12:98,515,955, G>A. VCF-style: chr12-98515955-G-A. GRCh37 (hg19) VCF-style: chr12-98909733-G-A.
Other names: c.88G>A, p.Gly30Arg (NM_001032284.3, NM_001307975.2, NM_003276.2); short protein forms G30R.
Identifiers: ClinVar variation 3767790 (VCV003767790.1).

ClinVar aggregate classification (germline): Uncertain significance (1 of 4 stars; one submission).

Submission:

GeneDx
Classification: Uncertain significance. Last evaluated: 2024-09-04. Review status: criteria provided, single submitter. Criteria: GeneDx Variant Classification Process June 2021. Collection method: clinical testing. Allele origin: germline. Affected: yes.
Comment: Not observed at significant frequency in large population cohorts (gnomAD); In silico analysis supports that this missense variant has a deleterious effect on protein structure/function; Has not been previously published as pathogenic or benign to our knowledge